The following is an entry in ClinVar:

NM_004933.3(CDH15):c.2054C>T (p.Pro685Leu)

Gene: CDH15 (cadherin 15; plus strand). Cytogenetic location: 16q24.3.
Variant type: single nucleotide variant.
Coding change: c.2054C>T on transcript NM_004933.3 (MANE Select); coding-DNA position 2054, C replaced by T.
Protein change: p.Pro685Leu; replaces proline 685 with leucine.
Molecular consequence: missense variant.
Genome position (GRCh38, 1-based): chr16:89,193,816, C>T. VCF-style: chr16-89193816-C-T. GRCh37 (hg19) VCF-style: chr16-89260224-C-T.
Other names: short protein forms P685L.
Identifiers: ClinVar variation 2647043 (VCV002647043.24), dbSNP rs532349829, ClinGen allele CA8239533.

ClinVar aggregate classification (germline): Benign (1 of 4 stars; one submission).

Allele frequency attached by ClinVar (database versions not stated): gnomAD 0.00033; ExAC 0.00168; 1000 Genomes Project 30x 0.00234; 1000 Genomes Project 0.00260.
gnomAD v4.1: 879 of 1,609,626 alleles (0.055%); highest among the groups gnomAD compares: South Asian, 0.93%; 14 homozygotes.

Submission:

CeGaT Center for Human Genetics Tuebingen
Classification: Benign. Last evaluated: 2022-07-01. Review status: criteria provided, single submitter. Criteria: CeGaT Center For Human Genetics Tuebingen Variant Classification Criteria Version 2. Collection method: clinical testing. Allele origin: germline. Affected: yes. Observed: 1 variant allele.
Comment: CDH15: BS1, BS2